The following is an entry in ClinVar:

NM_014698.3(TMEM63A):c.761C>T (p.Thr254Met)

Gene: TMEM63A (transmembrane protein 63A; minus strand). Cytogenetic location: 1q42.12.
Variant type: single nucleotide variant.
Coding change: c.761C>T on transcript NM_014698.3 (MANE Select); coding-DNA position 761, C replaced by T.
Protein change: p.Thr254Met; replaces threonine 254 with methionine.
Molecular consequence: missense variant.
Genome position (GRCh38, 1-based): chr1:225,862,837, G>A on the plus strand (C>T on the coding strand, the complement: TMEM63A is on the minus strand). VCF-style: chr1-225862837-G-A. GRCh37 (hg19) VCF-style: chr1-226050537-G-A.
Other names: short protein forms T254M.
Identifiers: ClinVar variation 2511654 (VCV002511654.8), dbSNP rs201498073, ClinGen allele CA1419397.
Genomic context (GRCh38, chr1:225,862,837, plus strand): 5'-TTGCACAGGTAGATCAGTTTGGCCACGTTGTAGCACAGCTGCACATCAACCACCTCACAC[G>A]TGGGATACGCGTCCCTGTGGCCAGGGAGAGAAGGAGGCAAAAGACACCGTTGGAAAAGAA-3'
Protein context (NP_055513.2, residues 244-264): VESHFRDAYP[Thr254Met]CEVVDVQLCY

ClinVar aggregate classification (germline): Conflicting classifications of pathogenicity. Review status: criteria provided, conflicting classifications (1 of 4 stars). 2 submissions from 2 submitters: Uncertain significance (1); Likely benign (1). Last evaluated 2025-11-01.

Conditions:
Inborn genetic diseases. Identifiers: MedGen C0950123, MeSH D030342.

Allele frequency attached by ClinVar (database versions not stated): TOPMed below 0.00001; gnomAD 0.00001; gnomAD exomes 0.00001; ExAC 0.00003; 1000 Genomes Project 30x 0.00016; 1000 Genomes Project 0.00020.
gnomAD v4.1: 18 of 1,613,822 alleles (0.0011%); highest among the groups gnomAD compares: Middle Eastern, 0.016%; no homozygotes.

Submissions (2):

CeGaT Center for Human Genetics Tuebingen
Classification: Likely benign. Last evaluated: 2025-11-01. Review status: criteria provided, single submitter. Criteria: CeGaT Center For Human Genetics Tuebingen Variant Classification Criteria Version 2. Collection method: clinical testing. Allele origin: germline. Affected: yes. Observed: 1 variant allele.
Comment: TMEM63A: BP4

Ambry Genetics
Classification: Uncertain significance for Inborn genetic diseases. Last evaluated: 2023-06-12. Review status: criteria provided, single submitter. Criteria: Ambry Variant Classification Scheme 2023. Collection method: clinical testing. Allele origin: germline.